The following is an entry in ClinVar:

NM_206965.2(FTCD):c.1055C>T (p.Ala352Val)

Gene: FTCD (formimidoyltransferase cyclodeaminase; minus strand). Cytogenetic location: 21q22.3.
Variant type: single nucleotide variant.
Coding change: c.1055C>T on transcript NM_206965.2 (MANE Select); coding-DNA position 1055, C replaced by T.
Protein change: p.Ala352Val; replaces alanine 352 with valine.
Molecular consequence: missense variant.
Genome position (GRCh38, 1-based): chr21:46,145,861, G>A on the plus strand (C>T on the coding strand, the complement: FTCD is on the minus strand). VCF-style: chr21-46145861-G-A. GRCh37 (hg19) VCF-style: chr21-47565775-G-A.
Other names: c.1055C>T, p.Ala352Val (NM_001320412.2, NM_006657.3); short protein forms A352V.
Identifiers: ClinVar variation 1308841 (VCV001308841.3), dbSNP rs560811619, ClinGen allele CA10073618.

ClinVar aggregate classification (germline): Uncertain significance. Review status: criteria provided, multiple submitters, no conflicts (2 of 4 stars). 2 submissions from 2 submitters: Uncertain significance (2). Last evaluated 2025-10-02.

Conditions:
Inborn genetic diseases. Identifiers: MedGen C0950123, MeSH D030342.

Allele frequency attached by ClinVar (database versions not stated): TOPMed 0.00003; 1000 Genomes Project 0.00020; gnomAD exomes 0.00005; gnomAD 0.00011 and 0.00012.
gnomAD v4.1: 64 of 1,224,732 alleles (0.0052%); highest among the groups gnomAD compares: Admixed American, 0.0086%; no homozygotes.

Submissions (2):

Ambry Genetics
Classification: Uncertain significance for Inborn genetic diseases. Last evaluated: 2025-10-02. Review status: criteria provided, single submitter. Criteria: Ambry Variant Classification Scheme 2023. Collection method: clinical testing. Allele origin: germline.

GeneDx
Classification: Uncertain significance. Last evaluated: 2020-01-16. Review status: criteria provided, single submitter. Criteria: GeneDx Variant Classification Process June 2021. Collection method: clinical testing. Allele origin: germline. Affected: yes.
Comment: In silico analysis, which includes protein predictors and evolutionary conservation, supports that this variant does not alter protein structure/function; Has not been previously published as pathogenic or benign to our knowledge